The following is an entry in ClinVar:

NM_004360.5(CDH1):c.2439A>T (p.Glu813Asp)

Gene: CDH1 (cadherin 1; plus strand). Cytogenetic location: 16q22.1.
Variant type: single nucleotide variant.
Coding change: c.2439A>T on transcript NM_004360.5 (MANE Select); coding-DNA position 2439, A replaced by T.
Protein change: p.Glu813Asp; replaces glutamic acid 813 with aspartic acid.
Molecular consequence: missense variant.
Genome position (GRCh38, 1-based): chr16:68,829,797, A>T. VCF-style: chr16-68829797-A-T. GRCh37 (hg19) VCF-style: chr16-68863700-A-T.
Other names: c.2256A>T, p.Glu752Asp (NM_001317184.2); c.891A>T, p.Glu297Asp (NM_001317185.2); c.474A>T, p.Glu158Asp (NM_001317186.2); short protein forms E297D, E813D, E158D, E752D.
Identifiers: ClinVar variation 821275 (VCV000821275.8), dbSNP rs1413760846, ClinGen allele CA396471409.
Genomic context (GRCh38, chr16:68,829,797, plus strand): 5'-TGTCCCCCGGTATCTTCCCCGCCCTGCCAATCCCGATGAAATTGGAAATTTTATTGATGA[A>T]GTAAGTAATCCACGTGGAAAGCCAAAGCATGGCTCATCTCTAAGCTCAGGAGGAGTTGTG-3'
Protein context (NP_004351.1, residues 803-823): NPDEIGNFID[Glu813Asp]NLKAADTDPT

ClinVar aggregate classification (germline): Uncertain significance. Review status: criteria provided, multiple submitters, no conflicts (2 of 4 stars). 2 submissions from 2 submitters: Uncertain significance (2). Last evaluated 2021-12-01.

Conditions:
Hereditary cancer-predisposing syndrome. Also called: Neoplastic Syndromes, Hereditary; Tumor predisposition; Hereditary Cancer Syndrome; Hereditary neoplastic syndrome. Identifiers: Orphanet 140162, MedGen C0027672, MeSH D009386, MONDO:0015356.

Allele frequency attached by ClinVar (database versions not stated): gnomAD exomes below 0.00001.
gnomAD v4.1: 1 of 1,613,942 alleles (0.000062%); highest among the groups gnomAD compares: Non-Finnish European, 0.000085%; no homozygotes.

Submissions (2):

Genetic Services Laboratory, University of Chicago
Classification: Uncertain significance. Last evaluated: 2021-12-01. Review status: criteria provided, single submitter. Criteria: ACMG Guidelines, 2015. Collection method: clinical testing. Allele origin: germline. Affected: no.
Comment: DNA sequence analysis of the CDH1 gene demonstrated a sequence change, c.2439A>T, in exon 15 that results in an amino acid change, p.Glu813Asp. This sequence change does not appear to have been previously described in individuals with CDH1-related disorders. This sequence change has been described in the gnomAD database in one individual which corresponds to a population frequency of 0.00040% (dbSNP rs1413760846). The p.Glu813Asp change affects a highly conserved amino acid residue located in a domain of the CDH1 protein that is known to be functional. In-silico pathogenicity prediction tools (SIFT, PolyPhen2, Align GVGD, REVEL) provide contradictory results for the p.Glu813Asp substitution. Due to insufficient evidence and the lack of functional studies, the clinical significance of the p.Glu813Asp change remains unknown at this time.

Ambry Genetics
Classification: Uncertain significance for Hereditary cancer-predisposing syndrome. Last evaluated: 2019-11-19. Review status: criteria provided, single submitter. Criteria: Ambry Variant Classification Scheme 2023. Collection method: clinical testing. Allele origin: germline.
Comment: The p.E813D variant (also known as c.2439A>T), located in coding exon 15 of the CDH1 gene, results from an A to T substitution at nucleotide position 2439. The amino acid change results in glutamic acid to aspartic acid at codon 813, an amino acid with highly similar properties. However, this change occurs in the last base pair of coding exon 15, which makes it likely to have some effect on normal mRNA splicing. This amino acid position is not well conserved in available vertebrate species. In addition, this alteration is predicted to be tolerated by in silico analysis. Since supporting evidence is limited at this time, the clinical significance of this alteration remains unclear.